The following is an entry in ClinVar:

ClinVar aggregate classification (germline): Uncertain significance (1 of 4 stars; one submission).

Conditions:
Pyruvate dehydrogenase E1-alpha deficiency (PDHAD). Also called: Ataxia, intermittent, with pyruvate dehydrogenase, or decarboxylase, deficiency; ATAXIA, INTERMITTENT, WITH PYRUVATE DEHYDROGENASE DEFICIENCY; ATAXIA WITH LACTIC ACIDOSIS I; ATAXIA, INTERMITTENT, WITH ABNORMAL PYRUVATE METABOLISM. Identifiers: Orphanet 79243, MedGen C1839413, MONDO:0010717, OMIM 312170.

Submission:

Neuberg Centre For Genomic Medicine, NCGM
Classification: Uncertain significance for Pyruvate dehydrogenase E1-alpha deficiency. Review status: criteria provided, single submitter. Criteria: ACMG Guidelines, 2015. Collection method: clinical testing. Allele origin: germline. Inheritance: X-linked inheritance. Affected: yes.
Comment: The c.769A>G (p.Met257Val) missense variant in PDHA1 gene has not been reported previously as a pathogenic variant nor as a benign variant, to our knowledge. The p.Met257Val variant is novel (not in any individuals) in gnomAD Exomes and 1000 Genomes. The amino acid Met at position 257 is changed to a Val changing protein sequence and it might alter its composition and physico-chemical properties. The amino acid change p.Met257Val in PDHA1 is predicted as conserved by GERP++ and PhyloP across 100 vertebrates. For these reasons, this variant has been classified as Variant of Uncertain Significance (VUS).

NM_000284.4(PDHA1):c.769A>G (p.Met257Val)

Gene: PDHA1 (pyruvate dehydrogenase E1 subunit alpha 1; plus strand). Cytogenetic location: Xp22.12.
Variant type: single nucleotide variant.
Coding change: c.769A>G on transcript NM_000284.4 (MANE Select); coding-DNA position 769, A replaced by G.
Protein change: p.Met257Val; replaces methionine 257 with valine.
Molecular consequence: missense variant.
Genome position (GRCh38, 1-based): chrX:19,355,695, A>G. VCF-style: chrX-19355695-A-G. GRCh37 (hg19) VCF-style: chrX-19373813-A-G.
Other names: c.883A>G, p.Met295Val (NM_001173454.2); c.790A>G, p.Met264Val (NM_001173455.2); c.676A>G, p.Met226Val (NM_001173456.2); short protein forms M264V, M257V, M295V, M226V.
Identifiers: ClinVar variation 2584844 (VCV002584844.1), dbSNP rs2518500444, ClinGen allele CA412394732.